The following is an entry in ClinVar:

NM_144672.4(OTOA):c.2190G>A (p.Lys730=)

Gene: OTOA (otoancorin). Cytogenetic location: 16p12.2.
Variant type: single nucleotide variant.
Coding change: c.2190G>A on transcript NM_144672.4 (MANE Select); coding-DNA position 2190, G replaced by A.
Protein change: p.Lys730=; no amino-acid change (lysine 730 retained).
Molecular consequence: synonymous variant.
Genome position (GRCh38, 1-based): chr16:21,728,414, G>A. VCF-style: chr16-21728414-G-A. GRCh37 (hg19) VCF-style: chr16-21739735-G-A.
Other names: c.1953G>A, p.Lys651= (NM_001161683.2); c.1218G>A, p.Lys406= (NM_170664.3); c.2190G>A (NM_144672.3).
Identifiers: ClinVar variation 2713596 (VCV002713596.7), dbSNP rs749507212, ClinGen allele CA7952907.
Genomic context (GRCh38, chr16:21,728,414, plus strand): 5'-ACACGGCCTCAGAGACTGCCCAGACCTCAACCCTGAGCAAAAGGCTGCAGTGAGGCTCAA[G>A]CTCCTGGGACAGTATGGGTGAGGAGCGGCTGGGTTTGGCTTTTGGTGGTGTGGTATGCTC-3'
Protein context (NP_653273.3, residues 720-740): NPEQKAAVRL[Lys730=]LLGQYGLPQH

ClinVar aggregate classification (germline): Conflicting classifications of pathogenicity. Review status: criteria provided, conflicting classifications (1 of 4 stars). 4 submissions from 4 submitters: Uncertain significance (1); Likely benign (3). Last evaluated 2025-11-10.

Conditions:
OTOA-related disorder. Also called: OTOA-related condition.

Allele frequency attached by ClinVar (database versions not stated): gnomAD 0.00001; gnomAD exomes 0.00001; ExAC 0.00002; TOPMed 0.00002.
gnomAD v4.1: 11 of 1,613,916 alleles (0.00068%); highest among the groups gnomAD compares: Admixed American, 0.018%; no homozygotes.

Submissions (4):

PreventionGenetics, part of Exact Sciences
Classification: Likely benign for OTOA-related condition. Last evaluated: 2025-11-10. Review status: criteria provided, single submitter. Criteria: ACMG Guidelines, 2015. Collection method: clinical testing. Allele origin: germline.
Comment: This variant is classified as likely benign based on ACMG/AMP sequence variant interpretation guidelines (Richards et al. 2015 PMID: 25741868, with internal and published modifications).

GeneDx
Classification: Uncertain significance. Last evaluated: 2025-06-10. Review status: criteria provided, single submitter. Criteria: GeneDx Variant Classification Process June 2021. Collection method: clinical testing. Allele origin: germline.
Comment: In silico analysis indicates that this variant does not alter splicing; Has not been previously published as pathogenic or benign to our knowledge

Labcorp Genetics (formerly Invitae), Labcorp
Classification: Likely benign. Last evaluated: 2024-10-30. Review status: criteria provided, single submitter. Criteria: Invitae Variant Classification Sherloc (09022015). Collection method: clinical testing. Allele origin: germline.

Blueprint Genetics
Classification: Likely benign. Last evaluated: 2020-02-13. Review status: criteria provided, single submitter. Criteria: ACMG Guidelines, 2015. Collection method: clinical testing. Allele origin: germline.